The following is an entry in ClinVar:

NM_001363711.2(DUOX2):c.2836G>A (p.Gly946Ser)

Gene: DUOX2 (dual oxidase 2; minus strand). Cytogenetic location: 15q21.1.
Variant type: single nucleotide variant.
Coding change: c.2836G>A on transcript NM_001363711.2 (MANE Select); coding-DNA position 2836, G replaced by A.
Protein change: p.Gly946Ser; replaces glycine 946 with serine.
Molecular consequence: missense variant.
Genome position (GRCh38, 1-based): chr15:45,101,808, C>T on the plus strand (G>A on the coding strand, the complement: DUOX2 is on the minus strand). VCF-style: chr15-45101808-C-T. GRCh37 (hg19) VCF-style: chr15-45394006-C-T.
Other names: c.2836G>A, p.Gly946Ser (NM_014080.5); short protein forms G946S.
Identifiers: ClinVar variation 3674996 (VCV003674996.2).

ClinVar aggregate classification (germline): Uncertain significance (1 of 4 stars; one submission).

gnomAD v4.1: 4 of 1,614,126 alleles (0.00025%); highest among the groups gnomAD compares: Admixed American, 0.0033%; no homozygotes.

Submission:

Labcorp Genetics (formerly Invitae), Labcorp
Classification: Uncertain significance. Last evaluated: 2024-04-22. Review status: criteria provided, single submitter. Criteria: Invitae Variant Classification Sherloc (09022015). Collection method: clinical testing. Allele origin: germline.
Comment: This sequence change replaces glycine, which is neutral and non-polar, with serine, which is neutral and polar, at codon 946 of the DUOX2 protein (p.Gly946Ser). This variant is not present in population databases (gnomAD no frequency). This variant has not been reported in the literature in individuals affected with DUOX2-related conditions. Advanced modeling of protein sequence and biophysical properties (such as structural, functional, and spatial information, amino acid conservation, physicochemical variation, residue mobility, and thermodynamic stability) performed at Invitae indicates that this missense variant is not expected to disrupt DUOX2 protein function with a negative predictive value of 95%. In summary, the available evidence is currently insufficient to determine the role of this variant in disease. Therefore, it has been classified as a Variant of Uncertain Significance.